The following is an entry in ClinVar:

ClinVar aggregate classification (germline): Pathogenic (1 of 4 stars; one submission).

Conditions:
Hereditary cancer-predisposing syndrome. Also called: Neoplastic Syndromes, Hereditary; Tumor predisposition; Hereditary Cancer Syndrome; Hereditary neoplastic syndrome. Identifiers: Orphanet 140162, MedGen C0027672, MeSH D009386, MONDO:0015356.

Submission:

Ambry Genetics
Classification: Pathogenic for Hereditary cancer-predisposing syndrome. Last evaluated: 2016-03-30. Review status: criteria provided, single submitter. Criteria: Ambry Variant Classification Scheme 2023. Collection method: clinical testing. Allele origin: germline.
Comment: The c.4950_4951dupCT pathogenic mutation, located in coding exon 15 of the APC gene, results from a duplication of CT at nucleotide position 4950, causing a translational frameshift with a predicted alternate stop codon. Since frameshifts are typically deleterious in nature, this alteration is interpreted as a disease-causing mutation (ACMG Recommendations for Standards for Interpretation and Reporting of Sequence Variations. Revision 2007. Genet Med. 2008;10:294).

NM_000038.6(APC):c.4950_4951dup (p.Phe1651fs)

Gene: APC (APC regulator of Wnt signaling pathway; plus strand). Cytogenetic location: 5q22.2.
Variant type: Duplication.
Coding change: c.4950_4951dup on transcript NM_000038.6 (MANE Select); coding-DNA positions 4950 to 4951, 2 bases duplicated (CT; older notation c.4950_4951dupCT).
Protein change: p.Phe1651fs; shifts the reading frame from phenylalanine 1651.
Molecular consequence: frameshift variant.
Genome position (GRCh38, 1-based): chr5:112,840,544-112,840,545, CT duplicated. VCF-style (leftmost placement, unchanged base first): chr5-112840543-A-ACT. GRCh37 (hg19) VCF-style: chr5-112176240-A-ACT.
Other names: c.4950_4951dup, p.Phe1651fs (NM_001127510.3, NM_001354895.2); c.4896_4897dup, p.Phe1633fs (NM_001127511.3); c.5004_5005dup, p.Phe1669fs (NM_001354896.2); c.4980_4981dup, p.Phe1661fs (NM_001354897.2); c.4875_4876dup, p.Phe1626fs (NM_001354898.2); c.4866_4867dup, p.Phe1623fs (NM_001354899.2); c.4827_4828dup, p.Phe1610fs (NM_001354900.2); c.4773_4774dup, p.Phe1592fs (NM_001354901.2); and 6 more; short protein forms F1550fs, F1661fs, F1368fs, F1560fs, F1610fs, F1623fs, F1651fs, F1669fs.
Identifiers: ClinVar variation 482332 (VCV000482332.5), dbSNP rs1554086324, ClinGen allele CA658655956.